The following is an entry in ClinVar:

ClinVar aggregate classification (germline): Likely pathogenic (1 of 4 stars; one submission).

Conditions:
Autosomal recessive limb-girdle muscular dystrophy type 2J (LGMDR10). Also called: Limb-girdle muscular dystrophy, type 2J; MUSCULAR DYSTROPHY, LIMB-GIRDLE, AUTOSOMAL RECESSIVE 10. Identifiers: Orphanet 140922, MedGen C1837342, MONDO:0012127, OMIM 608807.
Dilated cardiomyopathy 1G (CMD1G). Identifiers: Orphanet 154, MedGen C1858763, MONDO:0011400, OMIM 604145.

Submission:

Labcorp Genetics (formerly Invitae), Labcorp
Classification: Likely pathogenic for Dilated cardiomyopathy 1G; Autosomal recessive limb-girdle muscular dystrophy type 2J. Last evaluated: 2017-10-06. Review status: criteria provided, single submitter. Criteria: Invitae Variant Classification Sherloc (09022015). Collection method: clinical testing. Allele origin: germline.
Comment: This sequence change creates a premature translational stop signal (p.Cys21919Hisfs*20) in the TTN gene. It is expected to result in an absent or disrupted protein product. This variant is not present in population databases (ExAC no frequency). This variant is found in the A-band of this gene. While this particular variant has not been reported in the literature, truncating variants in the A-band of TTN are significantly overrepresented in patients with dilated cardiomyopathy and are considered to be likely pathogenic for the disease (PMID: 25589632). Truncating variants in TTN have also been reported in individuals affected with autosomal recessive centronuclear myopathy (PMID: 23975875). In summary, the currently available evidence indicates that the variant is pathogenic, but additional data are needed to prove that conclusively. Therefore, this variant has been classified as Likely Pathogenic.

Literature cited by the submitters: PubMed 25589632; PubMed 23975875.

NM_001267550.2(TTN):c.65755_65756del (p.Cys21919fs)

Genes: TTN (titin; minus strand), TTN-AS1 (TTN antisense RNA 1; plus strand). Cytogenetic location: 2q31.2.
Variant type: Microsatellite.
Coding change: c.65755_65756del on transcript NM_001267550.2 (MANE Select); coding-DNA positions 65755 to 65756, 2 bases deleted (TG; older notation c.65755_65756delTG).
Protein change: p.Cys21919fs; shifts the reading frame from cysteine 21919.
Molecular consequence: frameshift variant. On other transcripts: non-coding transcript variant (1).
Genome position (GRCh38, 1-based): chr2:178,583,047-178,583,048, CA deleted on the plus strand (TG on the coding strand, the reverse complement: TTN is on the minus strand); deleting any 2 consecutive bases within chr2:178,583,047-178,583,050 gives the same sequence; the c. name uses the placement nearest the transcript's 3' end. VCF-style (leftmost placement, unchanged base first): chr2-178583046-GCA-G. GRCh37 (hg19) VCF-style: chr2-179447773-GCA-G.
Other names: c.60832_60833del, p.Cys20278fs (NM_001256850.1); c.38560_38561del, p.Cys12854fs (NM_003319.4); c.58051_58052del, p.Cys19351fs (NM_133378.4); c.38935_38936del, p.Cys12979fs (NM_133432.3); c.39136_39137del, p.Cys13046fs (NM_133437.4); c.65755_65756delTG (NM_001267550.2); short protein forms C12854fs, C13046fs, C19351fs, C20278fs, C21919fs, C12979fs.
Identifiers: ClinVar variation 534981 (VCV000534981.9), dbSNP rs1553629143, ClinGen allele CA658796013.
Genomic context (GRCh38, chr2:178,583,046, plus strand): 5'-TTCAGCAGTAATGGTATAGTCTCCTGAGTCCTTCCGGTTCACGCTGAATAGCTCCAAGGT[GCA>G]CAGATTCCGCTGCATGGCCATCTTTATGCCTTCTGCTGGTTTTAGCAGTGTGCCATCTTT-3'